The following is an entry in ClinVar:

ClinVar aggregate classification (germline): Benign. Review status: criteria provided, multiple submitters, no conflicts (2 of 4 stars). 2 submissions from 2 submitters: Benign (2). Last evaluated 2025-11-12.

Allele frequency attached by ClinVar (database versions not stated): 1000 Genomes Project 30x 0.00062; 1000 Genomes Project 0.00080; TOPMed 0.00088; ESP Exome Variant Server 0.00092; gnomAD exomes 0.00096 and 0.00137; gnomAD 0.00133 and 0.00145; ExAC 0.00172.
gnomAD v4.1: 1,618 of 1,608,466 alleles (0.1%); highest among the groups gnomAD compares: Non-Finnish European, 0.11%; 4 homozygotes.

Submissions (2):

Labcorp Genetics (formerly Invitae), Labcorp
Classification: Benign. Last evaluated: 2025-11-12. Review status: criteria provided, single submitter. Criteria: Invitae Variant Classification Sherloc (09022015). Collection method: clinical testing. Allele origin: germline.

CeGaT Center for Human Genetics Tuebingen
Classification: Benign. Last evaluated: 2024-05-01. Review status: criteria provided, single submitter. Criteria: CeGaT Center For Human Genetics Tuebingen Variant Classification Criteria Version 2. Collection method: clinical testing. Allele origin: germline. Affected: yes. Observed: 1 variant allele.
Comment: COL8A2: BS1, BS2

NM_005202.4(COL8A2):c.1724C>T (p.Pro575Leu)

Gene: COL8A2 (collagen type VIII alpha 2 chain; minus strand). Cytogenetic location: 1p34.3.
Variant type: single nucleotide variant.
Coding change: c.1724C>T on transcript NM_005202.4 (MANE Select); coding-DNA position 1724, C replaced by T.
Protein change: p.Pro575Leu; replaces proline 575 with leucine.
Molecular consequence: missense variant.
Genome position (GRCh38, 1-based): chr1:36,097,957, G>A on the plus strand (C>T on the coding strand, the complement: COL8A2 is on the minus strand). VCF-style: chr1-36097957-G-A. GRCh37 (hg19) VCF-style: chr1-36563558-G-A.
Other names: c.1529C>T, p.Pro510Leu (NM_001294347.2); short protein forms P510L, P575L.
Identifiers: ClinVar variation 1536255 (VCV001536255.27), dbSNP rs145553904, ClinGen allele CA764891.